The following is an entry in ClinVar:

ClinVar aggregate classification (germline): Uncertain significance. Review status: criteria provided, multiple submitters, no conflicts (2 of 4 stars). 2 submissions from 2 submitters: Uncertain significance (2). Last evaluated 2024-11-23.

Conditions:
Inborn genetic diseases. Identifiers: MedGen C0950123, MeSH D030342.
Kostmann syndrome (SCN3). Also called: KOSTMANN DISEASE; Autosomal recessive severe congenital neutropenia type 3. Identifiers: Orphanet 99749, MedGen C5235141, MONDO:0012548, OMIM 610738.

Allele frequency attached by ClinVar (database versions not stated): ESP Exome Variant Server 0.00008; 1000 Genomes Project 0.00020; 1000 Genomes Project 30x 0.00031.
gnomAD v4.1: 14 of 1,614,022 alleles (0.00087%); highest among the groups gnomAD compares: African/African-American, 0.011%; no homozygotes.

Submissions (2):

Ambry Genetics
Classification: Uncertain significance for Inborn genetic diseases. Last evaluated: 2024-11-23. Review status: criteria provided, single submitter. Criteria: Ambry Variant Classification Scheme 2023. Collection method: clinical testing. Allele origin: germline.
Comment: The p.R235W variant (also known as c.703C>T), located in coding exon 6 of the HAX1 gene, results from a C to T substitution at nucleotide position 703. The arginine at codon 235 is replaced by tryptophan, an amino acid with dissimilar properties. This amino acid position is conserved. In addition, this alteration is predicted to be tolerated by in silico analysis. Based on the available evidence, the clinical significance of this variant remains unclear.

Labcorp Genetics (formerly Invitae), Labcorp
Classification: Uncertain significance for Kostmann syndrome. Last evaluated: 2023-09-09. Review status: criteria provided, single submitter. Criteria: Invitae Variant Classification Sherloc (09022015). Collection method: clinical testing. Allele origin: germline.
Comment: In summary, the available evidence is currently insufficient to determine the role of this variant in disease. Therefore, it has been classified as a Variant of Uncertain Significance. Advanced modeling of protein sequence and biophysical properties (such as structural, functional, and spatial information, amino acid conservation, physicochemical variation, residue mobility, and thermodynamic stability) performed at Invitae indicates that this missense variant is not expected to disrupt HAX1 protein function. ClinVar contains an entry for this variant (Variation ID: 2167517). This variant has not been reported in the literature in individuals affected with HAX1-related conditions. This variant is present in population databases (rs373783109, gnomAD 0.01%). This sequence change replaces arginine, which is basic and polar, with tryptophan, which is neutral and slightly polar, at codon 235 of the HAX1 protein (p.Arg235Trp).

NM_006118.4(HAX1):c.703C>T (p.Arg235Trp)

Gene: HAX1 (HCLS1 associated protein X-1; plus strand). Cytogenetic location: 1q21.3.
Variant type: single nucleotide variant.
Coding change: c.703C>T on transcript NM_006118.4 (MANE Select); coding-DNA position 703, C replaced by T.
Protein change: p.Arg235Trp; replaces arginine 235 with tryptophan.
Molecular consequence: missense variant.
Genome position (GRCh38, 1-based): chr1:154,275,432, C>T. VCF-style: chr1-154275432-C-T. GRCh37 (hg19) VCF-style: chr1-154247908-C-T.
Other names: c.559C>T, p.Arg187Trp (NM_001018837.2); short protein forms R187W, R235W.
Identifiers: ClinVar variation 2167517 (VCV002167517.5), dbSNP rs373783109, ClinGen allele CA1127442.